The following is an entry in ClinVar:

ClinVar aggregate classification (germline): Pathogenic. Review status: criteria provided, single submitter (1 of 4 stars). 3 submissions from 2 submitters: Pathogenic (1). 2 of the submissions do not count toward it. Last evaluated 2024-09-24.

Conditions:
CDKL5 disorder. Identifiers: MedGen CN296942, MONDO:0100039.
Developmental and epileptic encephalopathy, 2 (DEE2). Also called: INFANTILE SPASM SYNDROME, X-LINKED 2; CDKL5 deficiency disorder. Identifiers: Orphanet 1934, Orphanet 3451, Orphanet 505652, MedGen C4750718, MONDO:0010396, OMIM 300672.

Submissions (3):

Centre for Population Genomics, CPG
Classification: Pathogenic for CDKL5 disorder. Last evaluated: 2024-09-24. Review status: criteria provided, single submitter. Criteria: McKnight et al. (Hum Mutat. 2022). Collection method: curation. Allele origin: germline. Inheritance: X-linked inheritance.
Comment: This variant has been collected from RettBASE and curated to current modified ACMG/AMP criteria. Based on the classification scheme defined by the ClinGen Rett/Angelman-like Expert Panel for Rett/AS-like Disorders Specifications to the ACMG/AMP Variant Interpretation Guidelines VCEP 3.0, this variant is classified as pathogenic. At least the following criteria are met: Predicted to result in loss of function, and LOF is a known mechanism of disease (PVS1). This variant has been identified as a de novo occurrence in an individual with CDKL5 disorder without confirmation of paternity and maternity (PM6). PMID: 16015284 This variant is absent from gnomAD v4 (PM2_Supporting).

RettBASE
Classification: Pathogenic for Epileptic encephalopathy, early infantile, 2. Last evaluated: 2014-03-13. Review status: no assertion criteria provided. Collection method: curation. Allele origin: de novo. Affected: yes. Observed: 1 variant allele. Not counted in ClinVar's aggregate classification.
Comment: Leads to exon 16 skipping, r.2277_2376del

RettBASE
No classification provided. Review status: flagged submission. Collection method: not provided. Allele origin: not provided. Not counted in ClinVar's aggregate classification.
ClinVar note: Reason: This record appears to be redundant with a more recent record from the same submitter.
ClinVar note: Notes: SCV000189205 appears to be redundant with SCV000222328.

Literature cited by the submitters: PubMed 16015284 (cited by RettBASE).

NM_001323289.2(CDKL5):c.2376+1G>C

Gene: CDKL5 (cyclin dependent kinase like 5; plus strand). Cytogenetic location: Xp22.13.
Variant type: single nucleotide variant.
Coding change: c.2376+1G>C on transcript NM_001323289.2 (MANE Select); the canonical splice donor site of the intron after coding-DNA position 2376, G replaced by C.
Molecular consequence: splice donor variant.
Genome position (GRCh38, 1-based): chrX:18,619,967, G>C. VCF-style: chrX-18619967-G-C. GRCh37 (hg19) VCF-style: chrX-18638087-G-C.
Other names: c.2376+1G>C (NM_003159.3, NM_001037343.2).
Identifiers: ClinVar variation 156081 (VCV000156081.4), dbSNP rs267608656, ClinGen allele CA199391.
Genomic context (GRCh38, chrX:18,619,967, plus strand): 5'-GAAAAAGAGAAGCAAGGATTTTTCAGGTCAATGAAAAAGAAAAAGAAGAAATCTCAAACA[G>C]TAAGTAGATGACCAGTTTCTATATATAATAACATGTTTCTGCATTATTCAATGGATACTT-3'